The following is an entry in ClinVar:

ClinVar aggregate classification (germline): Likely benign. Review status: criteria provided, multiple submitters, no conflicts (2 of 4 stars). 3 submissions from 3 submitters: Likely benign (3). Last evaluated 2025-12-28.

Conditions:
Hereditary cancer-predisposing syndrome. Also called: Hereditary Cancer Syndrome; Tumor predisposition; Neoplastic Syndromes, Hereditary; Hereditary neoplastic syndrome. Identifiers: Orphanet 140162, MedGen C0027672, MeSH D009386, MONDO:0015356.
BAP1-related tumor predisposition syndrome (TPDS1). Also called: COMMON Syndrome; TUMOR PREDISPOSITION SYNDROME 1; Tumor susceptibility linked to germline BAP1 mutations; BAP1 tumor predisposition syndrome. Identifiers: Orphanet 289539, MedGen C3280492, MONDO:0013692, OMIM 614327.

Allele frequency attached by ClinVar (database versions not stated): gnomAD exomes below 0.00001; ExAC 0.00001; TOPMed 0.00001.
gnomAD v4.1: 3 of 1,613,544 alleles (0.00019%); highest among the groups gnomAD compares: Non-Finnish European, 0.00025%; no homozygotes.

Submissions (3):

Labcorp Genetics (formerly Invitae), Labcorp
Classification: Likely benign for BAP1-related tumor predisposition syndrome. Last evaluated: 2025-12-28. Review status: criteria provided, single submitter. Criteria: Invitae Variant Classification Sherloc (09022015). Collection method: clinical testing. Allele origin: germline.

Myriad Genetics, Inc.
Classification: Likely benign for BAP1-related tumor predisposition syndrome. Last evaluated: 2024-07-17. Review status: criteria provided, single submitter. Criteria: Myriad Autosomal Dominant, Autosomal Recessive and X-Linked Classification Criteria (2023). Collection method: clinical testing. Allele origin: unknown.
Comment: This variant is considered likely benign. This variant is intronic and is not expected to impact mRNA splicing.

Color Diagnostics, LLC DBA Color Health
Classification: Likely benign for Hereditary cancer-predisposing syndrome. Last evaluated: 2021-09-14. Review status: criteria provided, single submitter. Criteria: ACMG Guidelines, 2015. Collection method: clinical testing. Allele origin: germline.

NM_004656.4(BAP1):c.1730-10C>T

Gene: BAP1 (BRCA1 associated deubiquitinase 1; minus strand). Cytogenetic location: 3p21.1.
Variant type: single nucleotide variant.
Coding change: c.1730-10C>T on transcript NM_004656.4 (MANE Select); 10 bases into the intron before coding-DNA position 1730, C replaced by T.
Molecular consequence: intron variant.
Genome position (GRCh38, 1-based): chr3:52,403,308, G>A on the plus strand (C>T on the coding strand, the complement: BAP1 is on the minus strand). VCF-style: chr3-52403308-G-A. GRCh37 (hg19) VCF-style: chr3-52437324-G-A.
Identifiers: ClinVar variation 703941 (VCV000703941.13), dbSNP rs769728686, ClinGen allele CA2436727.